The following is an entry in ClinVar:

NM_001807.6(CEL):c.717G>T (p.Gln239His)

Gene: CEL (carboxyl ester lipase; plus strand). Cytogenetic location: 9q34.13.
Variant type: single nucleotide variant.
Coding change: c.717G>T on transcript NM_001807.6 (MANE Select); coding-DNA position 717, G replaced by T.
Protein change: p.Gln239His; replaces glutamine 239 with histidine.
Molecular consequence: missense variant.
Genome position (GRCh38, 1-based): chr9:133,066,885, G>T. VCF-style: chr9-133066885-G-T. GRCh37 (hg19) VCF-style: chr9-135942272-G-T.
Other names: c.726G>T (NM_001807.3); short protein forms Q239H.
Identifiers: ClinVar variation 1677596 (VCV001677596.2), dbSNP rs372624029, ClinGen allele CA200922068.

ClinVar aggregate classification (germline): Uncertain significance. Review status: criteria provided, multiple submitters, no conflicts (2 of 4 stars). 2 submissions from 2 submitters: Uncertain significance (2). Last evaluated 2024-03-22.

Allele frequency attached by ClinVar (database versions not stated): TOPMed below 0.00001; gnomAD exomes 0.00001; ESP Exome Variant Server 0.00008.
gnomAD v4.1: 11 of 1,613,596 alleles (0.00068%); highest among the groups gnomAD compares: Non-Finnish European, 0.00093%; no homozygotes.

Submissions (2):

GeneDx
Classification: Uncertain significance. Last evaluated: 2024-03-22. Review status: criteria provided, single submitter. Criteria: GeneDx Variant Classification Process June 2021. Collection method: clinical testing. Allele origin: germline. Affected: yes.
Comment: Not observed at significant frequency in large population cohorts (gnomAD); In silico analysis supports that this missense variant has a deleterious effect on protein structure/function; Has not been previously published as pathogenic or benign to our knowledge

AiLife Diagnostics
Classification: Uncertain significance. Last evaluated: 2021-10-30. Review status: criteria provided, single submitter. Criteria: ACMG Guidelines, 2015. Collection method: clinical testing. Allele origin: germline. Affected: yes. Observed: 1 variant allele.